The following is an entry in ClinVar:

ClinVar aggregate classification (germline): Likely benign. Review status: criteria provided, multiple submitters, no conflicts (2 of 4 stars). 2 submissions from 2 submitters: Likely benign (2). Last evaluated 2026-03-01.

Conditions:
Hereditary spastic paraplegia 11. Also called: Nakamura Osame syndrome; Autosomal recessive hereditary spastic paraplegia, mental impairment, and thin corpus callosum; SPASTIC PARAPLEGIA, AUTOSOMAL RECESSIVE, COMPLICATED, WITH THIN CORPUS CALLOSUM; SPASTIC PARAPLEGIA, AUTOSOMAL RECESSIVE, WITH MENTAL IMPAIRMENT AND THIN CORPUS CALLOSUM; Spastic Paraplegia 11; Spastic paraplegia, mental retardation and thin corpus callosum. Identifiers: Orphanet 2822, MedGen C1858479, MONDO:0011445, OMIM 604360.

Allele frequency attached by ClinVar (database versions not stated): ExAC 0.00001; gnomAD 0.00001; gnomAD exomes 0.00001 and 0.00002; TOPMed 0.00002.
gnomAD v4.1: 29 of 1,614,108 alleles (0.0018%); highest among the groups gnomAD compares: Admixed American, 0.0033%; 1 homozygote.

Submissions (2):

CeGaT Center for Human Genetics Tuebingen
Classification: Likely benign. Last evaluated: 2026-03-01. Review status: criteria provided, single submitter. Criteria: CeGaT Center For Human Genetics Tuebingen Variant Classification Criteria Version 2. Collection method: clinical testing. Allele origin: germline. Affected: yes. Observed: 1 variant allele.
Comment: SPG11: BP4, BP7

Labcorp Genetics (formerly Invitae), Labcorp
Classification: Likely benign for Hereditary spastic paraplegia 11. Last evaluated: 2025-09-20. Review status: criteria provided, single submitter. Criteria: Invitae Variant Classification Sherloc (09022015). Collection method: clinical testing. Allele origin: germline.

NM_025137.4(SPG11):c.1179T>C (p.His393=)

Gene: SPG11 (SPG11 vesicle trafficking associated, spatacsin; minus strand). Cytogenetic location: 15q21.1.
Variant type: single nucleotide variant.
Coding change: c.1179T>C on transcript NM_025137.4 (MANE Select); coding-DNA position 1179, T replaced by C.
Protein change: p.His393=; no amino-acid change (histidine 393 retained).
Molecular consequence: synonymous variant.
Genome position (GRCh38, 1-based): chr15:44,651,768, A>G on the plus strand (T>C on the coding strand, the complement: SPG11 is on the minus strand). VCF-style: chr15-44651768-A-G. GRCh37 (hg19) VCF-style: chr15-44943966-A-G.
Other names: c.1179T>C, p.His393= (NM_001160227.2).
Identifiers: ClinVar variation 1578790 (VCV001578790.12), dbSNP rs751415874, ClinGen allele CA7535599.
Genomic context (GRCh38, chr15:44,651,768, plus strand): 5'-CCATGATCTTCCTGGATCACTGGTCTTGGCATGATCTTTCTGTAGAACATTATATTGCCC[A>G]TGCATTATGTCCTGTGGAATGAAGGCCCAGCTCTGCACACTTGTACTGTGGTTACCAGAT-3'
Protein context (NP_079413.3, residues 383-403): SWAFIPQDIM[His393=]GQYNVLQKDH